The following is an entry in ClinVar:

NM_201596.3(CACNB2):c.1303-5T>C

Gene: CACNB2 (calcium voltage-gated channel auxiliary subunit beta 2; plus strand). Cytogenetic location: 10p12.31.
Variant type: single nucleotide variant.
Coding change: c.1303-5T>C on transcript NM_201596.3 (MANE Select); 5 bases into the intron before coding-DNA position 1303, T replaced by C.
Molecular consequence: intron variant.
Genome position (GRCh38, 1-based): chr10:18,538,175, T>C. VCF-style: chr10-18538175-T-C. GRCh37 (hg19) VCF-style: chr10-18827104-T-C.
Other names: c.1219-5T>C (NM_201571.4); c.1105-5T>C (NM_001167945.2); c.1147-5T>C (NM_201572.4); c.1189-5T>C (NM_201593.3); c.1231-5T>C (NM_201597.3); c.1138-5T>C (NM_000724.4); c.1024-5T>C (NM_001330060.2); c.1141-5T>C (NM_201590.3); and 1 more.
Identifiers: ClinVar variation 1731348 (VCV001731348.2), dbSNP rs2494875282, ClinGen allele CA2580081379.

ClinVar aggregate classification (germline): Uncertain significance (1 of 4 stars; one submission).

Conditions:
Cardiovascular phenotype. Identifiers: MedGen CN230736.

Submission:

Ambry Genetics
Classification: Uncertain significance for Cardiovascular phenotype. Last evaluated: 2021-02-24. Review status: criteria provided, single submitter. Criteria: Ambry Variant Classification Scheme 2023. Collection method: clinical testing. Allele origin: germline.
Comment: The c.1141-5T>C intronic variant results from a T to C substitution 5 nucleotides upstream from coding exon 12 in the CACNB2 gene. This nucleotide position is not well conserved in available vertebrate species. In silico splice site analysis predicts that this alteration will not have any significant effect on splicing. Since supporting evidence is limited at this time, the clinical significance of this alteration remains unclear.